The following is an entry in ClinVar:

ClinVar aggregate classification (germline): Uncertain significance. Review status: criteria provided, multiple submitters, no conflicts (2 of 4 stars). 2 submissions from 2 submitters: Uncertain significance (2). Last evaluated 2022-12-28.

Conditions:
Emery-Dreifuss muscular dystrophy (EDMD). Also called: Scapuloperoneal syndrome, X-linked (formerly); Humeroperoneal neuromuscular disease, (formerly). Identifiers: Orphanet 261, MedGen C0410189, MONDO:0016830.

Allele frequency attached by ClinVar (database versions not stated): TOPMed below 0.00001; gnomAD 0.00001.
gnomAD v4.1: 13 of 1,613,852 alleles (0.00081%); highest among the groups gnomAD compares: Middle Eastern, 0.016%; no homozygotes.

Submissions (2):

Ambry Genetics
Classification: Uncertain significance. Last evaluated: 2022-12-28. Review status: criteria provided, single submitter. Criteria: Ambry Variant Classification Scheme 2023. Collection method: clinical testing. Allele origin: germline.

Labcorp Genetics (formerly Invitae), Labcorp
Classification: Uncertain significance for Emery-Dreifuss muscular dystrophy. Last evaluated: 2022-07-06. Review status: criteria provided, single submitter. Criteria: Invitae Variant Classification Sherloc (09022015). Collection method: clinical testing. Allele origin: germline.
Comment: This sequence change replaces alanine, which is neutral and non-polar, with valine, which is neutral and non-polar, at codon 256 of the SUN1 protein (p.Ala256Val). This variant is present in population databases (rs775206908, gnomAD 0.009%). In summary, the available evidence is currently insufficient to determine the role of this variant in disease. Therefore, it has been classified as a Variant of Uncertain Significance. Algorithms developed to predict the effect of missense changes on protein structure and function are either unavailable or do not agree on the potential impact of this missense change (SIFT: "Deleterious"; PolyPhen-2: "Possibly Damaging"; Align-GVGD: "Class C0"). ClinVar contains an entry for this variant (Variation ID: 1523498). This variant has not been reported in the literature in individuals affected with SUN1-related conditions.

NM_001130965.3(SUN1):c.767C>T (p.Ala256Val)

Gene: SUN1 (Sad1 and UNC84 domain containing 1; plus strand). Cytogenetic location: 7p22.3.
Variant type: single nucleotide variant.
Coding change: c.767C>T on transcript NM_001130965.3 (MANE Select); coding-DNA position 767, C replaced by T.
Protein change: p.Ala256Val; replaces alanine 256 with valine.
Molecular consequence: missense variant. On other transcripts: non-coding transcript variant (3), synonymous variant (1).
Genome position (GRCh38, 1-based): chr7:851,959, C>T. VCF-style: chr7-851959-C-T. GRCh37 (hg19) VCF-style: chr7-891596-C-T.
Other names: c.962C>T, p.Ala321Val (NM_001367693.1, NM_001367697.1, NM_001367643.1); c.767C>T, p.Ala256Val (NM_001367694.1, NM_001367633.1, NM_001367634.1 and 3 more transcripts); c.689C>T, p.Ala230Val (NM_001367695.1); c.1076C>T, p.Ala359Val (NM_001367692.1, NM_001367677.1); c.878C>T, p.Ala293Val (NM_001367696.1, NM_001367638.1, NM_001367664.1 and 1 more transcripts); c.1049C>T, p.Ala350Val (NM_001367698.1, NM_001367641.1, NM_001367682.1); c.1160C>T, p.Ala387Val (NM_001367699.1, NM_001367687.1, NM_001367703.1 and 2 more transcripts); c.977C>T, p.Ala326Val (NM_001367700.1); and 25 more; short protein forms A173V, A210V, A251V, A309V, A322V, A359V, A394V, A104V.
Identifiers: ClinVar variation 1523498 (VCV001523498.7), dbSNP rs775206908, ClinGen allele CA4111922.